The following is an entry in ClinVar:

ClinVar aggregate classification (germline): Pathogenic (1 of 4 stars; one submission).

Submission:

GeneDx
Classification: Pathogenic. Last evaluated: 2015-04-20. Review status: criteria provided, single submitter. Criteria: GeneDx Variant Classification (06012015). Collection method: clinical testing. Allele origin: germline. Affected: yes.
Comment: The E777X nonsense variant in the CASK gene is predicted to cause loss of normal protein function either through protein truncation or nonsense-mediated mRNA decay. The E777X variant was not observed in approximately 6500 individuals of European and African American ancestry in the NHLBI Exome Sequencing Project, indicating it is not a common benign variant in these populations. Although this variant has not been reported previously to our knowledge, other nonsense variants have been reported in the CASK gene in the Human Gene Mutation Database in association with CASK-related disorders (Stenson et al., 2014).

NM_001367721.1(CASK):c.2344G>T (p.Glu782Ter)

Gene: CASK (calcium/calmodulin dependent serine protein kinase; minus strand). Cytogenetic location: Xp11.4.
Variant type: single nucleotide variant.
Coding change: c.2344G>T on transcript NM_001367721.1 (MANE Select); coding-DNA position 2344, G replaced by T.
Protein change: p.Glu782Ter; replaces glutamic acid 782 with a stop codon.
Molecular consequence: nonsense.
Genome position (GRCh38, 1-based): chrX:41,531,183, C>A on the plus strand (G>T on the coding strand, the complement: CASK is on the minus strand). VCF-style: chrX-41531183-C-A. GRCh37 (hg19) VCF-style: chrX-41390436-C-A.
Other names: c.2260G>T, p.Glu754Ter (NM_001126054.3); c.2257G>T, p.Glu753Ter (NM_001126055.3); c.2326G>T, p.Glu776Ter (NM_001410745.1); c.2329G>T, p.Glu777Ter (NM_003688.4); short protein forms E777*, E753*, E754*, E782*, E776*.
Identifiers: ClinVar variation 265323 (VCV000265323.2), dbSNP rs746017736, ClinGen allele CA10588783.